The following is an entry in ClinVar:

ClinVar aggregate classification (germline): Uncertain significance (1 of 4 stars; one submission).

Conditions:
Xeroderma pigmentosum, group F (XPF). Also called: XERODERMA PIGMENTOSUM, COMPLEMENTATION GROUP F; XERODERMA PIGMENTOSUM VI; XP, GROUP F; ERCC4-Related Xeroderma Pigmentosum; XERODERMA PIGMENTOSUM, TYPE F; Xeroderma pigmentosum, type 6. Identifiers: MedGen C0268140, MONDO:0010215, OMIM 278760.
Fanconi anemia complementation group Q. Identifiers: Orphanet 84, MedGen C3808988, MONDO:0014108, OMIM 615272.
Cockayne syndrome. Identifiers: Orphanet 191, MedGen C0009207, MONDO:0016006.

Submission:

Labcorp Genetics (formerly Invitae), Labcorp
Classification: Uncertain significance for Fanconi anemia complementation group Q; Xeroderma pigmentosum, group F; Cockayne syndrome. Last evaluated: 2024-04-16. Review status: criteria provided, single submitter. Criteria: Invitae Variant Classification Sherloc (09022015). Collection method: clinical testing. Allele origin: germline.
Comment: This sequence change replaces arginine, which is basic and polar, with glycine, which is neutral and non-polar, at codon 595 of the ERCC4 protein (p.Arg595Gly). This variant is not present in population databases (gnomAD no frequency). This variant has not been reported in the literature in individuals affected with ERCC4-related conditions. Advanced modeling of protein sequence and biophysical properties (such as structural, functional, and spatial information, amino acid conservation, physicochemical variation, residue mobility, and thermodynamic stability) performed at Invitae indicates that this missense variant is expected to disrupt ERCC4 protein function with a positive predictive value of 80%. In summary, the available evidence is currently insufficient to determine the role of this variant in disease. Therefore, it has been classified as a Variant of Uncertain Significance.

NM_005236.3(ERCC4):c.1783A>G (p.Arg595Gly)

Gene: ERCC4 (ERCC excision repair 4, endonuclease catalytic subunit; plus strand). Cytogenetic location: 16p13.12.
Variant type: single nucleotide variant.
Coding change: c.1783A>G on transcript NM_005236.3 (MANE Select); coding-DNA position 1783, A replaced by G.
Protein change: p.Arg595Gly; replaces arginine 595 with glycine.
Molecular consequence: missense variant.
Genome position (GRCh38, 1-based): chr16:13,935,715, A>G. VCF-style: chr16-13935715-A-G. GRCh37 (hg19) VCF-style: chr16-14029572-A-G.
Other names: short protein forms R595G.
Identifiers: ClinVar variation 3755888 (VCV003755888.2).